The following is an entry in ClinVar:

NM_014339.7(IL17RA):c.19C>T (p.Pro7Ser)

Genes: IL17RA (interleukin 17 receptor A; plus strand), LOC130066894 (ATAC-STARR-seq lymphoblastoid silent region 13430; plus strand). Cytogenetic location: 22q11.1.
Variant type: single nucleotide variant.
Coding change: c.19C>T on transcript NM_014339.7 (MANE Select); coding-DNA position 19, C replaced by T.
Protein change: p.Pro7Ser; replaces proline 7 with serine.
Molecular consequence: missense variant.
Genome position (GRCh38, 1-based): chr22:17,085,110, C>T. VCF-style: chr22-17085110-C-T. GRCh37 (hg19) VCF-style: chr22-17566000-C-T.
Other names: c.19C>T, p.Pro7Ser (NM_001289905.2); c.19C>T (NM_014339.5); short protein forms P7S.
Identifiers: ClinVar variation 714587 (VCV000714587.15), dbSNP rs534399492, ClinGen allele CA10086204.
Genomic context (GRCh38, chr22:17,085,110, plus strand): 5'-GTCCCCAGCCGGGGCCGAGCCCTCCGCGACGCCAGCCGGGCCATGGGGGCCGCACGCAGC[C>T]CGCCGTCCGCTGTCCCGGGGCCCCTGCTGGGGCTGCTCCTGCTGCTCCTGGGCGTGCTGG-3'
Protein context (NP_055154.3, residues 1-17): MGAARS[Pro7Ser]PSAVPGPLLG

ClinVar aggregate classification (germline): Conflicting classifications of pathogenicity. Review status: criteria provided, conflicting classifications (1 of 4 stars). 3 submissions from 3 submitters: Uncertain significance (1); Likely benign (2). Last evaluated 2025-12-28.

Conditions:
Immunodeficiency 51 (IMD51). Also called: CANDIDIASIS, FAMILIAL, 5. Identifiers: Orphanet 1334, MedGen C4310803, MONDO:0013500, OMIM 613953.

Allele frequency attached by ClinVar (database versions not stated): ExAC below 0.00001; gnomAD exomes 0.00015; 1000 Genomes Project 0.00100; 1000 Genomes Project 30x 0.00141; gnomAD 0.00187 and 0.00203; TOPMed 0.00209.

Submissions (3):

Labcorp Genetics (formerly Invitae), Labcorp
Classification: Likely benign for Immunodeficiency 51. Last evaluated: 2025-12-28. Review status: criteria provided, single submitter. Criteria: Invitae Variant Classification Sherloc (09022015). Collection method: clinical testing. Allele origin: germline.

GeneDx
Classification: Uncertain significance. Last evaluated: 2024-02-12. Review status: criteria provided, single submitter. Criteria: GeneDx Variant Classification Process June 2021. Collection method: clinical testing. Allele origin: germline. Affected: yes.
Comment: Has not been previously published as pathogenic or benign to our knowledge; In silico analysis supports that this missense variant does not alter protein structure/function

Illumina Laboratory Services, Illumina
Classification: Likely benign for Immunodeficiency 51. Last evaluated: 2017-07-25. Review status: criteria provided, single submitter. Criteria: ICSL Variant Classification Criteria 13 December 2019. Collection method: clinical testing. Allele origin: germline.
Comment: This variant was observed as part of a predisposition screen in an ostensibly healthy population. A literature search was performed for the gene, cDNA change, and amino acid change (where applicable). No publications were found based on this search. Allele frequency data from public databases allowed determination this variant is unlikely to cause disease. Therefore, this variant is classified as likely benign.